The following is an entry in ClinVar:

ClinVar aggregate classification (germline): Uncertain significance. Review status: criteria provided, multiple submitters, no conflicts (2 of 4 stars). 5 submissions from 5 submitters: Uncertain significance (5). Last evaluated 2025-06-11.

Conditions:
Neuropathy, hereditary sensory and autonomic, type 2A (HSAN2A). Also called: MORVAN DISEASE; NEUROPATHY, CONGENITAL SENSORY; NEUROPATHY, HEREDITARY SENSORY RADICULAR, AUTOSOMAL RECESSIVE; NEUROPATHY, HEREDITARY SENSORY, TYPE IIA; NEUROPATHY, PROGRESSIVE SENSORY, OF CHILDREN; WNK1-Related HSAN2 (HSAN2A). Identifiers: Orphanet 970, MedGen C2752089, MONDO:0024309, OMIM 201300.
Pseudohypoaldosteronism type 2C (PHA2C). Also called: Pseudohypoaldosteronism Type IIC. Identifiers: Orphanet 757, Orphanet 88940, MedGen C1840391, MONDO:0013778, OMIM 614492.
Inborn genetic diseases. Identifiers: MedGen C0950123, MeSH D030342.

Allele frequency attached by ClinVar (database versions not stated): ExAC 0.00001; gnomAD exomes 0.00001; gnomAD 0.00003 and 0.00004; TOPMed 0.00003.
gnomAD v4.1: 23 of 1,612,166 alleles (0.0014%); highest among the groups gnomAD compares: Non-Finnish European, 0.0019%; no homozygotes.

Submissions (5):

Mayo Clinic Laboratories, Mayo Clinic
Classification: Uncertain significance. Last evaluated: 2025-06-11. Review status: criteria provided, single submitter. Criteria: ACMG Guidelines, 2015. Collection method: clinical testing. Allele origin: germline. Observed: 2 variant alleles.
Comment: BP4

Fulgent Genetics
Classification: Uncertain significance for Neuropathy, hereditary sensory and autonomic, type 2A; Pseudohypoaldosteronism type 2C. Last evaluated: 2024-05-09. Review status: criteria provided, single submitter. Criteria: ACMG Guidelines, 2015. Collection method: clinical testing. Allele origin: germline.

Ambry Genetics
Classification: Uncertain significance for Inborn genetic diseases. Last evaluated: 2022-09-30. Review status: criteria provided, single submitter. Criteria: Ambry Variant Classification Scheme 2023. Collection method: clinical testing. Allele origin: germline.
Comment: The p.K63Q variant (also known as c.187A>C), located in coding exon 1 of the WNK1 gene, results from an A to C substitution at nucleotide position 187. The lysine at codon 63 is replaced by glutamine, an amino acid with similar properties. This amino acid position is highly conserved through mammals but not in all available vertebrate species. In addition, this alteration is predicted to be tolerated by in silico analysis. Since supporting evidence is limited at this time, the clinical significance of this alteration remains unclear.

Labcorp Genetics (formerly Invitae), Labcorp
Classification: Uncertain significance for Neuropathy, hereditary sensory and autonomic, type 2A; Pseudohypoaldosteronism type 2C. Last evaluated: 2022-01-28. Review status: criteria provided, single submitter. Criteria: Invitae Variant Classification Sherloc (09022015). Collection method: clinical testing. Allele origin: germline.
Comment: In summary, the available evidence is currently insufficient to determine the role of this variant in disease. Therefore, it has been classified as a Variant of Uncertain Significance. This sequence change replaces lysine, which is basic and polar, with glutamine, which is neutral and polar, at codon 63 of the WNK1 protein (p.Lys63Gln). This variant is present in population databases (rs780699781, gnomAD 0.003%). This variant has not been reported in the literature in individuals affected with WNK1-related conditions. ClinVar contains an entry for this variant (Variation ID: 934320). Advanced modeling of protein sequence and biophysical properties (such as structural, functional, and spatial information, amino acid conservation, physicochemical variation, residue mobility, and thermodynamic stability) performed at Invitae indicates that this missense variant is not expected to disrupt WNK1 protein function.

ARUP Laboratories, Molecular Genetics and Genomics, ARUP Laboratories
Classification: Uncertain significance. Last evaluated: 2019-09-16. Review status: criteria provided, single submitter. Criteria: ARUP Molecular Germline Variant Investigation Process. Collection method: clinical testing. Allele origin: germline.
Comment: The WNK1 c.187A>C; p.Lys63Gln variant (rs780699781), to our knowledge, is not reported in the medical literature or gene-specific databases. This variant is found on only four chromosomes (4/273990 alleles) in the Genome Aggregation Database. The lysine at codon 63 is highly conserved, and computational analyses (SIFT, PolyPhen-2) predict that this variant is deleterious. However, due to limited information, the clinical significance of the p.Lys63Gln variant is uncertain at this time.

NM_018979.4(WNK1):c.187A>C (p.Lys63Gln)

Gene: WNK1 (WNK lysine deficient protein kinase 1; plus strand). Cytogenetic location: 12p13.33.
Variant type: single nucleotide variant.
Coding change: c.187A>C on transcript NM_018979.4 (MANE Select); coding-DNA position 187, A replaced by C.
Protein change: p.Lys63Gln; replaces lysine 63 with glutamine.
Molecular consequence: missense variant.
Genome position (GRCh38, 1-based): chr12:753,752, A>C. VCF-style: chr12-753752-A-C. GRCh37 (hg19) VCF-style: chr12-862918-A-C.
Other names: p.Lys63Gln; c.187A>C, p.Lys63Gln (NM_001184985.2, NM_014823.3, NM_213655.5); short protein forms K63Q.
Identifiers: ClinVar variation 934320 (VCV000934320.18), dbSNP rs780699781, ClinGen allele CA6381736.